The following is an entry in ClinVar:

ClinVar aggregate classification (germline): Pathogenic (1 of 4 stars; one submission).

Conditions:
Primary ciliary dyskinesia. Also called: Ciliary dyskinesia. Identifiers: Orphanet 244, MedGen C0008780, MONDO:0016575, HP:0012265.

Submission:

Labcorp Genetics (formerly Invitae), Labcorp
Classification: Pathogenic for Primary ciliary dyskinesia. Last evaluated: 2023-07-25. Review status: criteria provided, single submitter. Criteria: Invitae Variant Classification Sherloc (09022015). Collection method: clinical testing. Allele origin: germline.
Comment: This sequence change creates a premature translational stop signal (p.Ser1513Lysfs*5) in the DNAH5 gene. It is expected to result in an absent or disrupted protein product. Loss-of-function variants in DNAH5 are known to be pathogenic (PMID: 11788826, 16627867). This variant is not present in population databases (gnomAD no frequency). This variant has not been reported in the literature in individuals affected with DNAH5-related conditions. For these reasons, this variant has been classified as Pathogenic.

Literature cited by the submitters: PubMed 11788826; PubMed 16627867.

NM_001369.3(DNAH5):c.4534_4535dup (p.Ser1513fs)

Genes: DNAH5 (dynein axonemal heavy chain 5; minus strand), DNAH5-AS1 (DNAH5 antisense RNA 1; plus strand). Cytogenetic location: 5p15.2.
Variant type: Duplication.
Coding change: c.4534_4535dup on transcript NM_001369.3 (MANE Select); coding-DNA positions 4534 to 4535, 2 bases duplicated (GA; older notation c.4534_4535dupGA).
Protein change: p.Ser1513fs; shifts the reading frame from serine 1513.
Molecular consequence: frameshift variant.
Genome position (GRCh38, 1-based): chr5:13,864,458-13,864,459, TC duplicated on the plus strand (GA on the coding strand, the reverse complement: DNAH5 is on the minus strand). VCF-style (leftmost placement, unchanged base first): chr5-13864457-T-TTC. GRCh37 (hg19) VCF-style: chr5-13864566-T-TTC.
Other names: short protein forms S1513fs.
Identifiers: ClinVar variation 2746393 (VCV002746393.3), dbSNP rs2546978451, ClinGen allele CA2697547040.
Genomic context (GRCh38, chr5:13,864,457, plus strand): 5'-CTCTATTTCCTCTTTATATTTCAGAAGAGGTGCCTCCATGATATTTCTTAACTTAAAGCT[T>TTC]TCATTCCCCACATCCAGACTGTGCCCGGTGAGGGTGGTTATCCTTTCCCAGTGCCGCTCC-3'